The following is an entry in ClinVar:

NM_007294.4(BRCA1):c.749A>G (p.Glu250Gly)

Gene: BRCA1 (BRCA1 DNA repair associated; minus strand). Cytogenetic location: 17q21.31.
Variant type: single nucleotide variant.
Coding change: c.749A>G on transcript NM_007294.4 (MANE Select); coding-DNA position 749, A replaced by G.
Protein change: p.Glu250Gly; replaces glutamic acid 250 with glycine.
Molecular consequence: missense variant. On other transcripts: intron variant (13), 5 prime UTR variant (2).
Genome position (GRCh38, 1-based): chr17:43,094,782, T>C on the plus strand (A>G on the coding strand, the complement: BRCA1 is on the minus strand). VCF-style: chr17-43094782-T-C. GRCh37 (hg19) VCF-style: chr17-41246799-T-C.
Other names: c.749A>G, p.Glu250Gly (NM_001407621.1, NM_001407622.1, NM_001407623.1 and 54 more transcripts); c.746A>G, p.Glu249Gly (NM_001407627.1, NM_001407628.1, NM_001407629.1 and 38 more transcripts); c.740A>G, p.Glu247Gly (NM_001407646.1, NM_001407647.1, NM_001408408.1); c.626A>G, p.Glu209Gly (NM_001407648.1, NM_001407664.1, NM_001407665.1 and 34 more transcripts); c.623A>G, p.Glu208Gly (NM_001407649.1, NM_001407670.1, NM_001407671.1 and 20 more transcripts); c.668A>G, p.Glu223Gly (NM_001407662.1, NM_001408413.1, NM_001408416.1 and 3 more transcripts); c.671A>G, p.Glu224Gly (NM_001407663.1, NM_001408409.1, NM_001408411.1 and 9 more transcripts); c.608A>G, p.Glu203Gly (NM_001407726.1, NM_001407727.1, NM_001407728.1 and 43 more transcripts); and 20 more; short protein forms E122G, E123G, E138G, E139G, E161G, E162G, E179G, E180G.
Identifiers: ClinVar variation 3070942 (VCV003070942.2), dbSNP rs2154494225, ClinGen allele CA10600586.

ClinVar aggregate classification (germline): Uncertain significance. Review status: criteria provided, multiple submitters, no conflicts (2 of 4 stars). 2 submissions from 2 submitters: Uncertain significance (2). Last evaluated 2026-06-29.

Conditions:
Breast-ovarian cancer, familial, susceptibility to, 1 (BROVCA1). Also called: BRCA1 Hereditary Breast and Ovarian Cancer; OVARIAN CANCER, SUSCEPTIBILITY TO. Identifiers: Orphanet 145, MedGen C2676676, MONDO:0011450, OMIM 604370. Disease mechanism: loss of function.
Hereditary cancer-predisposing syndrome. Also called: Tumor predisposition; Hereditary Cancer Syndrome; Neoplastic Syndromes, Hereditary; Hereditary neoplastic syndrome. Identifiers: Orphanet 140162, MedGen C0027672, MeSH D009386, MONDO:0015356.

Submissions (2):

Ambry Genetics
Classification: Uncertain significance for Hereditary cancer-predisposing syndrome. Last evaluated: 2026-06-29. Review status: criteria provided, single submitter. Criteria: Ambry Variant Classification Scheme 2023. Collection method: clinical testing. Allele origin: germline.
Comment: The p.E250G variant (also known as c.749A>G), located in coding exon 9 of the BRCA1 gene, results from an A to G substitution at nucleotide position 749. The glutamic acid at codon 250 is replaced by glycine, an amino acid with similar properties. This amino acid position is not well conserved in available vertebrate species. In addition, this alteration is predicted to be deleterious by in silico analysis. Based on the available evidence, the clinical significance of this variant remains unclear.

All of Us Research Program, National Institutes of Health
Classification: Uncertain significance for Breast-ovarian cancer, familial, susceptibility to, 1. Last evaluated: 2023-05-08. Review status: criteria provided, single submitter. Criteria: ACMG Guidelines, 2015. Collection method: clinical testing. Allele origin: germline. Inheritance: Autosomal dominant inheritance. Observed: 1 variant allele, 1 heterozygote.
Comment: This study involves interpretation of variants in research participants for the purpose of population health screening. Participant phenotype was not available at the time of variant classification. Additional details can be found in publication PMID: 35346344, PMCID: PMC8962531